The following is an entry in ClinVar:

ClinVar aggregate classification (germline): Uncertain significance. Review status: criteria provided, multiple submitters, no conflicts (2 of 4 stars). 2 submissions from 2 submitters: Uncertain significance (2). Last evaluated 2025-09-21.

Allele frequency attached by ClinVar (database versions not stated): TOPMed below 0.00001; gnomAD exomes 0.00002; gnomAD 0.00003.
gnomAD v4.1: 36 of 1,613,466 alleles (0.0022%); highest among the groups gnomAD compares: Middle Eastern, 0.033%; no homozygotes.

Submissions (2):

Ambry Genetics
Classification: Uncertain significance. Last evaluated: 2025-09-21. Review status: criteria provided, single submitter. Criteria: Ambry Variant Classification Scheme 2023. Collection method: clinical testing. Allele origin: germline.

Labcorp Genetics (formerly Invitae), Labcorp
Classification: Uncertain significance. Last evaluated: 2023-11-14. Review status: criteria provided, single submitter. Criteria: Invitae Variant Classification Sherloc (09022015). Collection method: clinical testing. Allele origin: germline.
Comment: This sequence change replaces arginine, which is basic and polar, with cysteine, which is neutral and slightly polar, at codon 496 of the ABCD3 protein (p.Arg496Cys). This variant is present in population databases (no rsID available, gnomAD 0.01%). This variant has not been reported in the literature in individuals affected with ABCD3-related conditions. ClinVar contains an entry for this variant (Variation ID: 1917228). Algorithms developed to predict the effect of missense changes on protein structure and function output the following: SIFT: "Not Available"; PolyPhen-2: "Benign"; Align-GVGD: "Not Available". The cysteine amino acid residue is found in multiple mammalian species, which suggests that this missense change does not adversely affect protein function. In summary, the available evidence is currently insufficient to determine the role of this variant in disease. Therefore, it has been classified as a Variant of Uncertain Significance.

NM_002858.4(ABCD3):c.1486C>T (p.Arg496Cys)

Gene: ABCD3 (ATP binding cassette subfamily D member 3; plus strand). Cytogenetic location: 1p21.3.
Variant type: single nucleotide variant.
Coding change: c.1486C>T on transcript NM_002858.4 (MANE Select); coding-DNA position 1486, C replaced by T.
Protein change: p.Arg496Cys; replaces arginine 496 with cysteine.
Molecular consequence: missense variant.
Genome position (GRCh38, 1-based): chr1:94,498,804, C>T. VCF-style: chr1-94498804-C-T. GRCh37 (hg19) VCF-style: chr1-94964360-C-T.
Other names: c.1486C>T (NM_002858.3); short protein forms R496C.
Identifiers: ClinVar variation 1917228 (VCV001917228.6), dbSNP rs1474170733, ClinGen allele CA341304787.